The following is an entry in ClinVar:

NM_003919.3(SGCE):c.903C>A (p.Tyr301Ter)

Genes: CASD1 (CAS1 domain sialic acid O acetyltransferase 1; plus strand), SGCE (sarcoglycan epsilon; minus strand). Cytogenetic location: 7q21.3.
Variant type: single nucleotide variant.
Coding change: c.903C>A on transcript NM_003919.3 (MANE Select); coding-DNA position 903, C replaced by A.
Protein change: p.Tyr301Ter; replaces tyrosine 301 with a stop codon.
Molecular consequence: nonsense.
Genome position (GRCh38, 1-based): chr7:94,600,780, G>T on the plus strand (C>A on the coding strand, the complement: SGCE is on the minus strand). VCF-style: chr7-94600780-G-T. GRCh37 (hg19) VCF-style: chr7-94230092-G-T.
Other names: c.903C>A, p.Tyr301Ter (NM_001099400.2, NM_001099401.2, NM_001346717.2); c.780C>A, p.Tyr260Ter (NM_001301139.2, NM_001362809.2); c.1011C>A, p.Tyr337Ter (NM_001346713.2, NM_001346715.2); c.816C>A, p.Tyr272Ter (NM_001346719.2, NM_001362807.2); c.630C>A, p.Tyr210Ter (NM_001346720.2, NM_001362808.2); short protein forms Y260*, Y301*, Y210*, Y272*, Y337*.
Identifiers: ClinVar variation 1451374 (VCV001451374.6), dbSNP rs1322313531, ClinGen allele CA368230999.
Genomic context (GRCh38, chr7:94,600,780, plus strand): 5'-CAGTGTAATTAGGAAATCCGTGTAATAGTCTCTGCTTTTCAAAGAATCAGAAGGGGGTTT[G>T]TATTCTCCACCATCAGGTAAAATCCCCTCTCCACGAATCACTTCCTGATAGGTGGACACT-3'

ClinVar aggregate classification (germline): Pathogenic (1 of 4 stars; one submission).

Conditions:
Myoclonic dystonia 11 (DYT11). Also called: Myoclonic dystonia; Dystonia 11; Dystonia, alcohol responsive; Hereditary essential myoclonus; SGCE Myoclonus-Dystonia; Myoclonus-Dystonia. Identifiers: Orphanet 36899, MedGen C1834570, MONDO:0008044, OMIM 159900.

Submission:

Labcorp Genetics (formerly Invitae), Labcorp
Classification: Pathogenic for Myoclonic dystonia 11. Last evaluated: 2024-01-08. Review status: criteria provided, single submitter. Criteria: Invitae Variant Classification Sherloc (09022015). Collection method: clinical testing. Allele origin: germline.
Comment: This sequence change creates a premature translational stop signal (p.Tyr301*) in the SGCE gene. It is expected to result in an absent or disrupted protein product. Loss-of-function variants in SGCE are known to be pathogenic (PMID: 12821748, 15389977, 17853490, 24297365). This variant is not present in population databases (gnomAD no frequency). This variant has not been reported in the literature in individuals affected with SGCE-related conditions. ClinVar contains an entry for this variant (Variation ID: 1451374). For these reasons, this variant has been classified as Pathogenic.

Literature cited by the submitters: PubMed 12821748; PubMed 15389977; PubMed 17853490; PubMed 24297365.